The following is an entry in ClinVar:

ClinVar aggregate classification (germline): Uncertain significance (1 of 4 stars; one submission).

Submission:

Labcorp Genetics (formerly Invitae), Labcorp
Classification: Uncertain significance. Last evaluated: 2022-03-26. Review status: criteria provided, single submitter. Criteria: Invitae Variant Classification Sherloc (09022015). Collection method: clinical testing. Allele origin: germline.
Comment: In summary, the available evidence is currently insufficient to determine the role of this variant in disease. Therefore, it has been classified as a Variant of Uncertain Significance. Variants that disrupt the consensus splice site are a relatively common cause of aberrant splicing (PMID: 17576681, 9536098). Algorithms developed to predict the effect of sequence changes on RNA splicing suggest that this variant is not likely to affect RNA splicing. This variant has not been reported in the literature in individuals affected with SPEG-related conditions. This variant is not present in population databases (gnomAD no frequency). This sequence change falls in intron 31 of the SPEG gene. It does not directly change the encoded amino acid sequence of the SPEG protein. It affects a nucleotide within the consensus splice site.

Literature cited by the submitters: PubMed 17576681; PubMed 9536098.

NM_005876.5(SPEG):c.7741+5_7741+7del

Genes: ASIC4-AS1 (ASIC4 antisense RNA 1; minus strand), SPEG (striated muscle enriched protein kinase; plus strand). Cytogenetic location: 2q35.
Variant type: Microsatellite.
Coding change: c.7741+5_7741+7del on transcript NM_005876.5 (MANE Select); bases 5 to 7 of the intron after coding-DNA position 7741, 3 bases deleted (TAA; older notation c.7741+5_7741+7delTAA).
Molecular consequence: splice donor variant.
Genome position (GRCh38, 1-based): chr2:219,485,482-219,485,484, TAA deleted; deleting any 3 consecutive bases within chr2:219,485,479-219,485,484 gives the same sequence; the c. name uses the placement nearest the transcript's 3' end. VCF-style (leftmost placement, unchanged base first): chr2-219485478-GTAA-G. GRCh37 (hg19) VCF-style: chr2-220350200-GTAA-G.
Identifiers: ClinVar variation 1966573 (VCV001966573.5), dbSNP rs2545959161, ClinGen allele CA2580616708.